The following is an entry in ClinVar:

NM_139319.3(SLC17A8):c.196G>A (p.Asp66Asn)

Gene: SLC17A8 (solute carrier family 17 member 8; plus strand). Cytogenetic location: 12q23.1.
Variant type: single nucleotide variant.
Coding change: c.196G>A on transcript NM_139319.3 (MANE Select); coding-DNA position 196, G replaced by A.
Protein change: p.Asp66Asn; replaces aspartic acid 66 with asparagine.
Molecular consequence: missense variant.
Genome position (GRCh38, 1-based): chr12:100,380,795, G>A. VCF-style: chr12-100380795-G-A. GRCh37 (hg19) VCF-style: chr12-100774573-G-A.
Other names: c.196G>A, p.Asp66Asn (NM_001145288.2); short protein forms D66N.
Identifiers: ClinVar variation 1310814 (VCV001310814.2), dbSNP rs781283307, ClinGen allele CA6738696.
Genomic context (GRCh38, chr12:100,380,795, plus strand): 5'-ATTGAGCTGAATGAAGAAGGAAGGCCGGTGCAGACGTCCAGGCCAAGCCCCCCACTCTGC[G>A]ACTGCCACTGCTGCGGCCTCCCCAAGCGTTACATCATTGCTATCATGAGTGGGCTGGGAT-3'
Protein context (NP_647480.1, residues 56-76): QTSRPSPPLC[Asp66Asn]CHCCGLPKRY

ClinVar aggregate classification (germline): Uncertain significance (1 of 4 stars; one submission).

Allele frequency attached by ClinVar (database versions not stated): gnomAD exomes 0.00002 and 0.00001; TOPMed 0.00002; ExAC 0.00003; gnomAD 0.00001.
gnomAD v4.1: 21 of 1,614,012 alleles (0.0013%); highest among the groups gnomAD compares: Non-Finnish European, 0.0017%; no homozygotes.

Submission:

GeneDx
Classification: Uncertain significance. Last evaluated: 2019-12-06. Review status: criteria provided, single submitter. Criteria: GeneDx Variant Classification Process June 2021. Collection method: clinical testing. Allele origin: germline. Affected: yes.
Comment: In silico analysis, which includes protein predictors and evolutionary conservation, supports that this variant does not alter protein structure/function; Has not been previously published as pathogenic or benign to our knowledge